The following is an entry in ClinVar:

NM_001267550.2(TTN):c.19715-12_19715-11del

Gene: TTN (titin; minus strand). Cytogenetic location: 2q31.2.
Variant type: Deletion.
Coding change: c.19715-12_19715-11del on transcript NM_001267550.2 (MANE Select); 12 bases into the intron before coding-DNA position 19715 through 11 bases into the intron before coding-DNA position 19715, 2 bases deleted (TA; older notation c.19715-12_19715-11delTA).
Molecular consequence: intron variant.
Genome position (GRCh38, 1-based): chr2:178,727,874-178,727,875, TA deleted on the plus strand (TA on the coding strand, the reverse complement: TTN is on the minus strand). VCF-style (leftmost placement, unchanged base first): chr2-178727873-TTA-T. GRCh37 (hg19) VCF-style: chr2-179592600-TTA-T.
Other names: c.18764-12_18764-11delTA (NM_001256850.1); c.13282+10207_13282+10208del (NM_003319.4); c.13858+10207_13858+10208del (NM_133437.4); c.13657+10207_13657+10208del (NM_133432.3); c.15983-12_15983-11del (NM_133378.4); c.18764-12_18764-11del (NM_001256850.1); c.15983-12_15983-11delTA (NM_133378.4).
Identifiers: ClinVar variation 510801 (VCV000510801.10), dbSNP rs748695304, ClinGen allele CA2001347.

ClinVar aggregate classification (germline): Likely benign. Review status: criteria provided, multiple submitters, no conflicts (2 of 4 stars). 3 submissions from 3 submitters: Likely benign (3). Last evaluated 2026-02-24.

Conditions:
Dilated cardiomyopathy 1G (CMD1G). Identifiers: Orphanet 154, MedGen C1858763, MONDO:0011400, OMIM 604145.
Autosomal recessive limb-girdle muscular dystrophy type 2J (LGMDR10). Also called: Limb-girdle muscular dystrophy, type 2J; MUSCULAR DYSTROPHY, LIMB-GIRDLE, AUTOSOMAL RECESSIVE 10. Identifiers: Orphanet 140922, MedGen C1837342, MONDO:0012127, OMIM 608807.

Allele frequency attached by ClinVar (database versions not stated): gnomAD exomes 0.00001; TOPMed 0.00001; ExAC 0.00002; gnomAD 0.00002.

Submissions (3):

Women's Health and Genetics/Laboratory Corporation of America, LabCorp
Classification: Likely benign. Last evaluated: 2026-02-24. Review status: criteria provided, single submitter. Criteria: LabCorp Variant Classification Summary - May 2015. Collection method: clinical testing. Allele origin: germline.
Comment: Variant summary: TTN c.15983-12_15983-11delTA is located at a position not widely known to affect splicing. Consensus agreement among computation tools predicts no significant impact on normal splicing. However, these predictions have yet to be confirmed by functional studies. The variant allele was found at a frequency of 1e-05 in 193602 control chromosomes (gnomAD). The available data on variant occurrences in the general population are insufficient to allow any conclusion about variant significance. To our knowledge, no occurrence of c.15983-12_15983-11delTA in individuals affected with TTN-related conditions and no experimental evidence demonstrating its impact on protein function have been reported. ClinVar contains an entry for this variant (Variation ID: 510801). Based on the evidence outlined above, the variant was classified as likely benign.

Labcorp Genetics (formerly Invitae), Labcorp
Classification: Likely benign for Dilated cardiomyopathy 1G; Autosomal recessive limb-girdle muscular dystrophy type 2J. Last evaluated: 2026-01-18. Review status: criteria provided, single submitter. Criteria: Invitae Variant Classification Sherloc (09022015). Collection method: clinical testing. Allele origin: germline.

GeneDx
Classification: Likely benign. Last evaluated: 2018-06-22. Review status: criteria provided, single submitter. Criteria: GeneDx Variant Classification Process June 2021. Collection method: clinical testing. Allele origin: germline. Affected: yes.